The following is an entry in ClinVar:

ClinVar aggregate classification (germline): Likely pathogenic (1 of 4 stars; one submission).

Conditions:
Neurodegeneration with brain iron accumulation 5 (NBIA5). Also called: STATIC ENCEPHALOPATHY OF CHILDHOOD WITH NEURODEGENERATION IN ADULTHOOD; Beta-propeller protein-associated neurodegeneration. Identifiers: Orphanet 329284, MedGen C3550973, MONDO:0010476, OMIM 300894.

Submissions (2):

3billion
Classification: Likely pathogenic for Neurodegeneration with brain iron accumulation 5. Last evaluated: 2025-07-19. Review status: criteria provided, single submitter. Criteria: ACMG Guidelines, 2015. Collection method: clinical testing. Allele origin: germline. Affected: yes.
Comment: The variant is not observed in the gnomAD v4.1.0 dataset. Predicted Consequence/Location: Canonical splice site: predicted to alter splicing and result in a loss or disruption of normal protein function. Multiple pathogenic loss-of-function variants are reported downstream of the variant. In silico tools predict the variant to alter splicing and produce an abnormal transcript [SpliceAI: 0.99 (spliceogenicity >=0.2, non-spliceogenicity <0.1)]. Therefore, this variant is classified as Likely pathogenic according to the recommendation of ACMG/AMP guideline.

Dr. Peter K. Rogan Lab, Western University
No classification provided (evidence only). Condition: Gastric cancer. Review status: no classification provided. Collection method: in vitro. Allele origin: not applicable. Functional consequence: retained intron. Not counted in ClinVar's aggregate classification.

NM_001029896.2(WDR45):c.436+1G>A

Gene: WDR45 (WD repeat domain 45; minus strand). Cytogenetic location: Xp11.23.
Variant type: single nucleotide variant.
Coding change: c.436+1G>A on transcript NM_001029896.2 (MANE Select); the canonical splice donor site of the intron after coding-DNA position 436, G replaced by A.
Molecular consequence: splice donor variant.
Genome position (GRCh38, 1-based): chrX:49,076,429, C>T on the plus strand (G>A on the coding strand, the complement: WDR45 is on the minus strand). VCF-style: chrX-49076429-C-T. GRCh37 (hg19) VCF-style: chrX-48934088-C-T.
Other names: NC_000023.10:g.48934088C>T; c.439+1G>A (NM_007075.4).
Identifiers: ClinVar variation 4491797 (VCV004491797.2).
Genomic context (GRCh38, chrX:49,076,429, plus strand): 5'-CTGCCCCTCTGCCCCATCCACTGTTTCATGCCCTTACACCTGTGTATCTGAGCCCTCTCA[C>T]CCTTGGGGTTGTCCCGGGTATCAAACTCAAACAGCTTTCGGGGATTGTCGGGGAAGGAGT-3'